The following is an entry in ClinVar:

NM_198060.4(NRAP):c.4197G>A (p.Trp1399Ter)

Gene: NRAP (nebulin related anchoring protein; minus strand). Cytogenetic location: 10q25.3.
Variant type: single nucleotide variant.
Coding change: c.4197G>A on transcript NM_198060.4 (MANE Select); coding-DNA position 4197, G replaced by A.
Protein change: p.Trp1399Ter; replaces tryptophan 1399 with a stop codon.
Molecular consequence: nonsense.
Genome position (GRCh38, 1-based): chr10:113,604,639, C>T on the plus strand (G>A on the coding strand, the complement: NRAP is on the minus strand). VCF-style: chr10-113604639-C-T. GRCh37 (hg19) VCF-style: chr10-115364398-C-T.
Other names: c.4197G>A, p.Trp1399Ter (NM_001261463.2); c.4089G>A, p.Trp1363Ter (NM_001322945.2); c.4092G>A, p.Trp1364Ter (NM_006175.5); short protein forms W1363*, W1364*, W1399*.
Identifiers: ClinVar variation 3895320 (VCV003895320.1), dbSNP rs777578966.
Genomic context (GRCh38, chr10:113,604,639, plus strand): 5'-CTGGTTTGCATTCCACAAGGCCACCCCTACCTCACTCTGCAGGGCATGGGCTTTCTTGGC[C>T]CAGGCCATCTTCAGGTCCTCGGGCAGTGCTGTGAACTTGTGATACTGTGTCCTGTAGTCG-3'

ClinVar aggregate classification (germline): Likely pathogenic (1 of 4 stars; one submission).

Conditions:
Cardiovascular phenotype. Identifiers: MedGen CN230736.

gnomAD v4.1: 6 of 1,613,908 alleles (0.00037%); highest among the groups gnomAD compares: Admixed American, 0.0017%; no homozygotes.

Submission:

Molecular Diagnostic Laboratory for Inherited Cardiovascular Disease, Montreal Heart Institute
Classification: Likely pathogenic for Cardiovascular phenotype. Last evaluated: 2024-07-02. Review status: criteria provided, single submitter. Criteria: ACMG Guidelines, 2015. Collection method: clinical testing. Allele origin: germline. Affected: yes.
Comment: PVS1, PM2